The following is an entry in ClinVar:

NM_001972.4(ELANE):c.430C>T (p.Arg144Cys)

Gene: ELANE (elastase, neutrophil expressed; plus strand). Cytogenetic location: 19p13.3.
Variant type: single nucleotide variant.
Coding change: c.430C>T on transcript NM_001972.4 (MANE Select); coding-DNA position 430, C replaced by T.
Protein change: p.Arg144Cys; replaces arginine 144 with cysteine.
Molecular consequence: missense variant.
Genome position (GRCh38, 1-based): chr19:855,627, C>T. VCF-style: chr19-855627-C-T. GRCh37 (hg19) VCF-style: chr19-855627-C-T.
Other names: c.430C>T (LRG_57t1); short protein forms R144C.
Identifiers: ClinVar variation 654536 (VCV000654536.13), dbSNP rs148726761, ClinGen allele CA9026058.

ClinVar aggregate classification (germline): Uncertain significance. Review status: criteria provided, multiple submitters, no conflicts (2 of 4 stars). 2 submissions from 2 submitters: Uncertain significance (2). Last evaluated 2025-01-11.

Conditions:
Cyclical neutropenia. Also called: Cyclic hematopoiesis; Cyclic Neutropenia. Identifiers: Orphanet 2686, MedGen C0221023, MONDO:0008090, OMIM 162800, HP:0040289. Disease mechanism: loss of function.
Neutropenia, severe congenital, 1, autosomal dominant. Identifiers: MedGen C1859966, MONDO:0042490, OMIM 202700.
Inborn genetic diseases. Identifiers: MedGen C0950123, MeSH D030342.

Allele frequency attached by ClinVar (database versions not stated): ExAC 0.00001; gnomAD 0.00001; gnomAD exomes 0.00001; TOPMed 0.00003; ESP Exome Variant Server 0.00008.
gnomAD v4.1: 13 of 1,604,258 alleles (0.00081%); highest among the groups gnomAD compares: African/African-American, 0.0053%; no homozygotes.

Submissions (2):

Ambry Genetics
Classification: Uncertain significance for Inborn genetic diseases. Last evaluated: 2025-01-11. Review status: criteria provided, single submitter. Criteria: Ambry Variant Classification Scheme 2023. Collection method: clinical testing. Allele origin: germline.
Comment: The p.R144C variant (also known as c.430C>T), located in coding exon 4 of the ELANE gene, results from a C to T substitution at nucleotide position 430. The arginine at codon 144 is replaced by cysteine, an amino acid with highly dissimilar properties. This amino acid position is conserved. In addition, the in silico prediction for this alteration is inconclusive. Based on the available evidence, the clinical significance of this variant remains unclear.

Labcorp Genetics (formerly Invitae), Labcorp
Classification: Uncertain significance for Neutropenia, severe congenital, 1, autosomal dominant; Cyclical neutropenia. Last evaluated: 2024-05-15. Review status: criteria provided, single submitter. Criteria: Invitae Variant Classification Sherloc (09022015). Collection method: clinical testing. Allele origin: germline.
Comment: This sequence change replaces arginine, which is basic and polar, with cysteine, which is neutral and slightly polar, at codon 144 of the ELANE protein (p.Arg144Cys). This variant is present in population databases (rs148726761, gnomAD 0.007%). This variant has not been reported in the literature in individuals affected with ELANE-related conditions. ClinVar contains an entry for this variant (Variation ID: 654536). Advanced modeling of protein sequence and biophysical properties (such as structural, functional, and spatial information, amino acid conservation, physicochemical variation, residue mobility, and thermodynamic stability) performed at Invitae indicates that this missense variant is not expected to disrupt ELANE protein function with a negative predictive value of 80%. In summary, the available evidence is currently insufficient to determine the role of this variant in disease. Therefore, it has been classified as a Variant of Uncertain Significance.